The following is an entry in ClinVar:

NM_018706.7(DHTKD1):c.2319G>C (p.Pro773=)

Gene: DHTKD1 (dehydrogenase E1 and transketolase domain containing 1; plus strand). Cytogenetic location: 10p14.
Variant type: single nucleotide variant.
Coding change: c.2319G>C on transcript NM_018706.7 (MANE Select); coding-DNA position 2319, G replaced by C.
Protein change: p.Pro773=; no amino-acid change (proline 773 retained).
Molecular consequence: synonymous variant.
Genome position (GRCh38, 1-based): chr10:12,113,064, G>C. VCF-style: chr10-12113064-G-C. GRCh37 (hg19) VCF-style: chr10-12155063-G-C.
Identifiers: ClinVar variation 2230722 (VCV002230722.2), dbSNP rs145738102, ClinGen allele CA468220458.

ClinVar aggregate classification (germline): Uncertain significance (1 of 4 stars; one submission).

Conditions:
Inborn genetic diseases. Identifiers: MedGen C0950123, MeSH D030342.

gnomAD v4.1: 1 of 1,601,626 alleles (0.000062%); highest among the groups gnomAD compares: Non-Finnish European, 0.000085%; no homozygotes.

Submission:

Ambry Genetics
Classification: Uncertain significance for Inborn genetic diseases. Last evaluated: 2021-06-11. Review status: criteria provided, single submitter. Criteria: Ambry Variant Classification Scheme 2023. Collection method: clinical testing. Allele origin: germline.
Comment: Occurs in the last base pair of the exon Based on insufficient or conflicting evidence, the clinical significance of this alteration remains unclear.